The following is an entry in ClinVar:

NM_001046.3(SLC12A2):c.288GGC[6] (p.Ala107del)

Genes: SLC12A2 (solute carrier family 12 member 2; plus strand), LOC129994526 (ATAC-STARR-seq lymphoblastoid silent region 16295; plus strand). Cytogenetic location: 5q23.3.
Variant type: Microsatellite.
Coding change: c.288GGC[6] on transcript NM_001046.3 (MANE Select); six copies in a row of the 3-base unit GGC starting at c.288; the reference has seven copies in a row; one copy, 3 bases deleted.
Protein change: p.Ala107del; deletes alanine 107.
Molecular consequence: inframe deletion. On other transcripts: non-coding transcript variant (1).
Genome position (GRCh38, 1-based): chr5:128,084,260-128,084,262, GGC deleted; deleting any 3 consecutive bases within chr5:128,084,240-128,084,262 gives the same sequence; the position shown is the placement nearest the transcript's 3' end. VCF-style (leftmost placement, unchanged base first): chr5-128084239-TGCG-T. GRCh37 (hg19) VCF-style: chr5-127419931-TGCG-T.
Other names: c.306_308delGGC (NM_001046.2); c.288GGC[6], p.Ala107del (NM_001256461.2); short protein forms A107del.
Identifiers: ClinVar variation 2043646 (VCV002043646.5), dbSNP rs746633185, ClinGen allele CA446491517.

ClinVar aggregate classification (germline): Uncertain significance. Review status: criteria provided, single submitter (1 of 4 stars). 2 submissions from 2 submitters: Uncertain significance (1). 1 of the submissions does not count toward it. Last evaluated 2025-03-10.

Conditions:
SLC12A2-related disorder. Also called: SLC12A2-related condition; SLC12A2-related disorders.

Submissions (2):

Labcorp Genetics (formerly Invitae), Labcorp
Classification: Uncertain significance. Last evaluated: 2025-03-10. Review status: criteria provided, single submitter. Criteria: Invitae Variant Classification Sherloc (09022015). Collection method: clinical testing. Allele origin: germline.
Comment: This variant, c.306_308del, results in the deletion of 1 amino acid(s) of the SLC12A2 protein (p.Ala107del), but otherwise preserves the integrity of the reading frame. The frequency data for this variant in the population databases is considered unreliable, as metrics indicate poor data quality at this position in the gnomAD database. This variant has not been reported in the literature in individuals affected with SLC12A2-related conditions. Experimental studies and prediction algorithms are not available or were not evaluated, and the functional significance of this variant is currently unknown. In summary, the available evidence is currently insufficient to determine the role of this variant in disease. Therefore, it has been classified as a Variant of Uncertain Significance.

PreventionGenetics, part of Exact Sciences
Classification: Likely benign for SLC12A2-related condition. Last evaluated: 2024-02-07. Review status: no assertion criteria provided. Collection method: clinical testing. Allele origin: germline. Not counted in ClinVar's aggregate classification.
Comment: This variant is classified as likely benign based on ACMG/AMP sequence variant interpretation guidelines (Richards et al. 2015 PMID: 25741868, with internal and published modifications).